The following is an entry in ClinVar:

ClinVar aggregate classification (germline): Uncertain significance (1 of 4 stars; one submission).

Conditions:
Charcot-Marie-Tooth disease axonal type 2Z. Also called: CHARCOT-MARIE-TOOTH DISEASE, AXONAL, AUTOSOMAL DOMINANT, TYPE 2Z; CHARCOT-MARIE-TOOTH NEUROPATHY, TYPE 2Z. Identifiers: Orphanet 466768, MedGen C5569025, MONDO:0014736, OMIM 616688.

Allele frequency attached by ClinVar (database versions not stated): gnomAD exomes below 0.00001.
gnomAD v4.1: 11 of 1,612,336 alleles (0.00068%); highest among the groups gnomAD compares: African/African-American, 0.0054%; no homozygotes.

Submission:

Labcorp Genetics (formerly Invitae), Labcorp
Classification: Uncertain significance for Charcot-Marie-Tooth disease axonal type 2Z. Last evaluated: 2018-04-12. Review status: criteria provided, single submitter. Criteria: Invitae Variant Classification Sherloc (09022015). Collection method: clinical testing. Allele origin: germline.
Comment: This sequence change replaces leucine with phenylalanine at codon 298 of the MORC2 protein (p.Leu298Phe). The leucine residue is highly conserved and there is a small physicochemical difference between leucine and phenylalanine. This variant is not present in population databases (ExAC no frequency). This variant has not been reported in the literature in individuals with MORC2-related disease. Algorithms developed to predict the effect of missense changes on protein structure and function do not agree on the potential impact of this missense change (SIFT: "Tolerated"; PolyPhen-2: "Possibly Damaging"; Align-GVGD: "Class C0"). In summary, the available evidence is currently insufficient to determine the role of this variant in disease. Therefore, it has been classified as a Variant of Uncertain Significance.

NM_001303256.3(MORC2):c.1078C>T (p.Leu360Phe)

Gene: MORC2 (MORC family CW-type zinc finger 2; minus strand). Cytogenetic location: 22q12.2.
Variant type: single nucleotide variant.
Coding change: c.1078C>T on transcript NM_001303256.3 (MANE Select); coding-DNA position 1078, C replaced by T.
Protein change: p.Leu360Phe; replaces leucine 360 with phenylalanine.
Molecular consequence: missense variant.
Genome position (GRCh38, 1-based): chr22:30,938,201, G>A on the plus strand (C>T on the coding strand, the complement: MORC2 is on the minus strand). VCF-style: chr22-30938201-G-A. GRCh37 (hg19) VCF-style: chr22-31334188-G-A.
Other names: c.1078C>T, p.Leu360Phe (NM_001303257.2); c.892C>T, p.Leu298Phe (NM_014941.3); short protein forms L298F, L360F.
Identifiers: ClinVar variation 566829 (VCV000566829.7), dbSNP rs1268129848, ClinGen allele CA411239630.